The following is an entry in ClinVar:

ClinVar aggregate classification (germline): Uncertain significance (1 of 4 stars; one submission).

Conditions:
Dystonia 12 (DYT12). Also called: DYT-ATP1A3; Rapid-Onset Dystonia-Parkinsonism (RDP). Identifiers: Orphanet 71517, MedGen C1868681, MONDO:0007496, OMIM 128235.

Submission:

Labcorp Genetics (formerly Invitae), Labcorp
Classification: Uncertain significance for Dystonia 12. Last evaluated: 2020-10-20. Review status: criteria provided, single submitter. Criteria: Invitae Variant Classification Sherloc (09022015). Collection method: clinical testing. Allele origin: germline.
Comment: In summary, the available evidence is currently insufficient to determine the role of this variant in disease. Therefore, it has been classified as a Variant of Uncertain Significance. This variant has not been reported in the literature in individuals with ATP1A3-related conditions. This variant results in a copy number gain of the genomic region encompassing exon(s) 1-14 of the ATP1A3 gene. This region includes the initiator codon of the gene. The 5' end of this event is unknown as it extends beyond the assayed region for this gene and therefore may encompass additional genes. The 3' boundary is likely confined to intron 14 of the ATP1A3 gene. As the precise location of this event is unknown, it may be in tandem or it may be located elsewhere in the genome.

NC_000019.9:g.(?_42482078)_(42498228_?)dup

Gene: ATP1A3 (ATPase Na+/K+ transporting subunit alpha 3; minus strand). Cytogenetic location: 19q13.2.
Variant type: Duplication.
Identifiers: ClinVar variation 2427357 (VCV002427357.4).